The following is an entry in ClinVar:

ClinVar aggregate classification (germline): Benign (1 of 4 stars; one submission).

Conditions:
Retinoblastoma (RB1). Also called: RETINOBLASTOMA, SOMATIC. Identifiers: Orphanet 790, MedGen C0035335, MeSH D012175, MONDO:0008380, OMIM 180200, HP:0009919. Disease mechanism: loss of function. Inheritance: Both sporadic and heritable forms are tested..

gnomAD v4.1: 4 of 1,613,922 alleles (0.00025%); highest among the groups gnomAD compares: Non-Finnish European, 0.00034%; no homozygotes.

Submission:

Myriad Genetics, Inc.
Classification: Benign for Retinoblastoma. Last evaluated: 2026-06-24. Review status: criteria provided, single submitter. Criteria: Myriad Autosomal Dominant, Autosomal Recessive and X-Linked Classification Criteria (2023). Collection method: clinical testing. Allele origin: unknown.
Comment: This variant is considered benign. This variant is a silent/synonymous amino acid change and it is not expected to impact splicing.

NM_000321.3(RB1):c.801A>G (p.Leu267=)

Gene: RB1 (RB transcriptional corepressor 1; plus strand). Cytogenetic location: 13q14.2.
Variant type: single nucleotide variant.
Coding change: c.801A>G on transcript NM_000321.3 (MANE Select); coding-DNA position 801, A replaced by G.
Protein change: p.Leu267=; no amino-acid change (leucine 267 retained).
Molecular consequence: synonymous variant.
Genome position (GRCh38, 1-based): chr13:48,362,897, A>G. VCF-style: chr13-48362897-A-G. GRCh37 (hg19) VCF-style: chr13-48937033-A-G.
Other names: c.801A>G, p.Leu267= (NM_001407165.1, NM_001407166.1).
Identifiers: ClinVar variation 4875868 (VCV004875868.1).